The following is an entry in ClinVar:

NM_006206.6(PDGFRA):c.2157-16C>T

Gene: PDGFRA (platelet derived growth factor receptor alpha; plus strand). Cytogenetic location: 4q12.
Variant type: single nucleotide variant.
Coding change: c.2157-16C>T on transcript NM_006206.6 (MANE Select); 16 bases into the intron before coding-DNA position 2157, C replaced by T.
Molecular consequence: intron variant.
Genome position (GRCh38, 1-based): chr4:54,280,300, C>T. VCF-style: chr4-54280300-C-T. GRCh37 (hg19) VCF-style: chr4-55146467-C-T.
Other names: c.2157-16C>T (NM_001347829.2, NM_001347827.2); c.2196-16C>T (NM_001347830.2); c.2232-16C>T (NM_001347828.2).
Identifiers: ClinVar variation 2417243 (VCV002417243.14), dbSNP rs377046737, ClinGen allele CA2922779.
Genomic context (GRCh38, chr4:54,280,300, plus strand): 5'-AATCATCATCTACTGAAAGTGGAATGACCACTTCAGAAGGGCACCCTGGGTAAGATTTCT[C>T]TTTCTGTTTTTACAGCTATGTTATTTTATCTTTTGAAAACAATGGTGACTACATGGACAT-3'

ClinVar aggregate classification (germline): Likely benign. Review status: criteria provided, multiple submitters, no conflicts (2 of 4 stars). 2 submissions from 2 submitters: Likely benign (2). Last evaluated 2026-06-15.

Conditions:
Gastrointestinal stromal tumor. Also called: Gastrointestinal stroma tumor; Gastrointestinal stromal tumor, somatic. Identifiers: Orphanet 44890, MedGen C0238198, MeSH D046152, MONDO:0011719, OMIM 606764, HP:0100723.
Polyps, multiple and recurrent inflammatory fibroid, gastrointestinal. Identifiers: MedGen C5193005, MONDO:0008285, OMIM 175510.

Allele frequency attached by ClinVar (database versions not stated): TOPMed below 0.00001; ExAC 0.00001; gnomAD 0.00001; ESP Exome Variant Server 0.00008.
gnomAD v4.1: 2 of 1,611,832 alleles (0.00012%); highest among the groups gnomAD compares: Non-Finnish European, 0.00017%; no homozygotes.

Submissions (2):

Myriad Genetics, Inc.
Classification: Likely benign for Polyps, multiple and recurrent inflammatory fibroid, gastrointestinal. Last evaluated: 2026-06-15. Review status: criteria provided, single submitter. Criteria: Myriad Autosomal Dominant, Autosomal Recessive and X-Linked Classification Criteria (2023). Collection method: clinical testing. Allele origin: unknown.
Comment: This variant is considered likely benign. This variant is intronic and is not expected to impact mRNA splicing.

Labcorp Genetics (formerly Invitae), Labcorp
Classification: Likely benign for Gastrointestinal stromal tumor. Last evaluated: 2025-11-17. Review status: criteria provided, single submitter. Criteria: Invitae Variant Classification Sherloc (09022015). Collection method: clinical testing. Allele origin: germline.